The following is an entry in ClinVar:

ClinVar aggregate classification (germline): Benign/Likely benign. Review status: criteria provided, multiple submitters, no conflicts (2 of 4 stars). 8 submissions from 8 submitters: Benign (2); Likely benign (3). 3 of the submissions do not count toward it. Last evaluated 2026-09-01.

Conditions:
Polyglandular autoimmune syndrome, type 1 (APS1). Also called: HYPOADRENOCORTICISM WITH HYPOPARATHYROIDISM AND SUPERFICIAL MONILIASIS; PGA I; Whitaker syndrome; Autoimmune polyendocrinopathy syndrome , type I, with or without reversible metaphyseal dysplasia; AUTOIMMUNE POLYENDOCRINE SYNDROME, TYPE I, WITH OR WITHOUT REVERSIBLE METAPHYSEAL DYSPLASIA; APS I. Identifiers: Orphanet 3453, MedGen C0085859, MONDO:0009411, OMIM 240300.

Allele frequency attached by ClinVar (database versions not stated): 1000 Genomes Project 30x 0.00078; ESP Exome Variant Server 0.00078; 1000 Genomes Project 0.00100; gnomAD exomes 0.00127; TOPMed 0.00130; gnomAD 0.00178 and 0.00188; ExAC 0.00252.

Submissions (8):

CeGaT Center for Human Genetics Tuebingen
Classification: Likely benign. Last evaluated: 2026-09-01. Review status: criteria provided, single submitter. Criteria: CeGaT Center For Human Genetics Tuebingen Variant Classification Criteria Version 2. Collection method: clinical testing. Allele origin: germline. Affected: yes. Observed: 12 variant alleles.
Comment: AIRE: BP4, BP7

Labcorp Genetics (formerly Invitae), Labcorp
Classification: Benign for Polyglandular autoimmune syndrome, type 1. Last evaluated: 2026-02-02. Review status: criteria provided, single submitter. Criteria: Invitae Variant Classification Sherloc (09022015). Collection method: clinical testing. Allele origin: germline.

Women's Health and Genetics/Laboratory Corporation of America, LabCorp
Classification: Likely benign. Last evaluated: 2025-11-19. Review status: criteria provided, single submitter. Criteria: LabCorp Variant Classification Summary - May 2015. Collection method: clinical testing. Allele origin: germline.

Mayo Clinic Laboratories, Mayo Clinic
Classification: Benign. Last evaluated: 2025-04-14. Review status: criteria provided, single submitter. Criteria: ACMG Guidelines, 2015. Collection method: clinical testing. Allele origin: germline. Observed: 1 variant allele.
Comment: BS1, BS2, BP4, BP7

Blueprint Genetics
Classification: Likely benign. Last evaluated: 2024-11-21. Review status: criteria provided, single submitter. Criteria: ACMG Guidelines, 2015. Collection method: clinical testing. Allele origin: germline.

Natera, Inc.
Classification: Likely benign for Polyglandular autoimmune syndrome type 1. Last evaluated: 2021-02-26. Review status: no assertion criteria provided. Collection method: clinical testing. Allele origin: germline. Not counted in ClinVar's aggregate classification.

Genome Diagnostics Laboratory, University Medical Center Utrecht
Classification: Likely benign. Review status: no assertion criteria provided. Collection method: clinical testing. Allele origin: germline. Affected: yes. Study: VKGL Data-share Consensus. Not counted in ClinVar's aggregate classification.

Joint Genome Diagnostic Labs from Nijmegen and Maastricht, Radboudumc and MUMC+
Classification: Likely benign. Review status: no assertion criteria provided. Collection method: clinical testing. Allele origin: germline. Affected: yes. Study: VKGL Data-share Consensus. Not counted in ClinVar's aggregate classification.

Literature cited by the submitters: PubMed 18426830 (cited by Mayo Clinic Laboratories, Mayo Clinic).

NM_000383.4(AIRE):c.1065C>T (p.Pro355=)

Gene: AIRE (autoimmune regulator; plus strand). Cytogenetic location: 21q22.3.
Variant type: single nucleotide variant.
Coding change: c.1065C>T on transcript NM_000383.4 (MANE Select); coding-DNA position 1065, C replaced by T.
Protein change: p.Pro355=; no amino-acid change (proline 355 retained).
Molecular consequence: synonymous variant.
Genome position (GRCh38, 1-based): chr21:44,292,371, C>T. VCF-style: chr21-44292371-C-T. GRCh37 (hg19) VCF-style: chr21-45712254-C-T.
Other names: p.Pro355=.
Identifiers: ClinVar variation 528312 (VCV000528312.59), dbSNP rs201551372, ClinGen allele CA10051909.